The following is an entry in ClinVar:

ClinVar aggregate classification (germline): Uncertain significance (1 of 4 stars; one submission).

Allele frequency attached by ClinVar (database versions not stated): gnomAD 0.00001; gnomAD exomes 0.00001 and 0.00002; ExAC 0.00003; TOPMed 0.00004; ESP Exome Variant Server 0.00008.
gnomAD v4.1: 11 of 1,612,044 alleles (0.00068%); highest among the groups gnomAD compares: Non-Finnish European, 0.00093%; no homozygotes.

Submission:

GeneDx
Classification: Uncertain significance. Last evaluated: 2019-10-03. Review status: criteria provided, single submitter. Criteria: GeneDx Variant Classification Process June 2021. Collection method: clinical testing. Allele origin: germline. Affected: yes.
Comment: In silico analysis, which includes protein predictors and evolutionary conservation, supports that this variant does not alter protein structure/function; Has not been previously published as pathogenic or benign to our knowledge

NM_001371928.1(AHDC1):c.3869C>T (p.Ala1290Val)

Gene: AHDC1 (AT-hook DNA binding motif containing 1; minus strand). Cytogenetic location: 1p36.11.
Variant type: single nucleotide variant.
Coding change: c.3869C>T on transcript NM_001371928.1 (MANE Select); coding-DNA position 3869, C replaced by T.
Protein change: p.Ala1290Val; replaces alanine 1290 with valine.
Molecular consequence: missense variant.
Genome position (GRCh38, 1-based): chr1:27,548,247, G>A on the plus strand (C>T on the coding strand, the complement: AHDC1 is on the minus strand). VCF-style: chr1-27548247-G-A. GRCh37 (hg19) VCF-style: chr1-27874758-G-A.
Other names: c.3869C>T, p.Ala1290Val (NM_001029882.3); short protein forms A1290V.
Identifiers: ClinVar variation 1308944 (VCV001308944.2), dbSNP rs146875431, ClinGen allele CA715472.